The following is an entry in ClinVar:

NM_001330078.2(NRXN1):c.3071-58G>A

Gene: NRXN1 (neurexin 1; minus strand). Cytogenetic location: 2p16.3.
Variant type: single nucleotide variant.
Coding change: c.3071-58G>A on transcript NM_001330078.2 (MANE Select); 58 bases into the intron before coding-DNA position 3071, G replaced by A.
Molecular consequence: intron variant.
Genome position (GRCh38, 1-based): chr2:50,472,529, C>T on the plus strand (G>A on the coding strand, the complement: NRXN1 is on the minus strand). VCF-style: chr2-50472529-C-T. GRCh37 (hg19) VCF-style: chr2-50699667-C-T.
Other names: NC_000002.11:g.50699667C>T; c.2960-58G>A (NM_001330096.2, NM_001330087.2); c.3005-58G>A (NM_001330083.2, NM_001330084.2); c.2990-58G>A (NM_001330088.2); c.3068-58G>A (NM_001330093.2); c.3059-58G>A (NM_001330094.2); c.3020-58G>A (NM_001330095.2); c.3047-58G>A (NM_001330082.2, NM_001330077.2); and 3 more.
Identifiers: ClinVar variation 673503 (VCV000673503.2), dbSNP rs79957110, ClinGen allele CA47330195.

ClinVar aggregate classification (germline): Likely benign (1 of 4 stars; one submission).

Allele frequency attached by ClinVar (database versions not stated): TOPMed 0.00504; gnomAD 0.00440 and 0.00470; 1000 Genomes Project 0.00639; 1000 Genomes Project 30x 0.00703.
gnomAD v4.1: 1,607 of 1,376,508 alleles (0.12%); highest among the groups gnomAD compares: African/African-American, 1.6%; 14 homozygotes.

Submissions (2):

GeneDx
Classification: Likely benign. Last evaluated: 2018-06-14. Review status: criteria provided, single submitter. Criteria: GeneDx Variant Classification (06012015). Collection method: clinical testing. Allele origin: germline. Affected: yes.
Comment: This variant is considered likely benign or benign based on one or more of the following criteria: it is a conservative change, it occurs at a poorly conserved position in the protein, it is predicted to be benign by multiple in silico algorithms, and/or has population frequency not consistent with disease.

Dr. Peter K. Rogan Lab, Western University
No classification provided (evidence only). Condition: Uterine corpus endometrial carcinoma. Review status: no classification provided. Collection method: in vitro. Allele origin: not applicable. Functional consequence: retained intron. Not counted in ClinVar's aggregate classification.